The following is an entry in ClinVar:

ClinVar aggregate classification (germline): Uncertain significance (1 of 4 stars; one submission).

Conditions:
PLXNA4-related disorder. Also called: PLXNA4-related condition.

gnomAD v4.1: 5 of 1,613,660 alleles (0.00031%); highest among the groups gnomAD compares: African/African-American, 0.0067%; no homozygotes.

Submission:

PreventionGenetics, part of Exact Sciences
Classification: Uncertain significance for PLXNA4-related condition. Last evaluated: 2026-03-20. Review status: criteria provided, single submitter. Criteria: ACMG Guidelines, 2015. Collection method: clinical testing. Allele origin: germline.
Comment: The PLXNA4 c.2983C>G variant is predicted to result in the amino acid substitution p.Leu995Val. To our knowledge, this variant has not been reported in the literature. This variant is reported in 0.012% of alleles in individuals of African descent in gnomAD. At this time, the clinical significance of this variant is uncertain due to the absence of conclusive functional and genetic evidence.

NM_020911.2(PLXNA4):c.2983C>G (p.Leu995Val)

Gene: PLXNA4 (plexin A4; minus strand). Cytogenetic location: 7q32.3.
Variant type: single nucleotide variant.
Coding change: c.2983C>G on transcript NM_020911.2 (MANE Select); coding-DNA position 2983, C replaced by G.
Protein change: p.Leu995Val; replaces leucine 995 with valine.
Molecular consequence: missense variant.
Genome position (GRCh38, 1-based): chr7:132,187,481, G>C on the plus strand (C>G on the coding strand, the complement: PLXNA4 is on the minus strand). VCF-style: chr7-132187481-G-C. GRCh37 (hg19) VCF-style: chr7-131872240-G-C.
Other names: c.2983C>G, p.Leu995Val (NM_001393897.1); short protein forms L995V.
Identifiers: ClinVar variation 4983697 (VCV004983697.1).